The following is an entry in ClinVar:

NM_002160.4(TNC):c.308G>A (p.Arg103His)

Gene: TNC (tenascin C; minus strand). Cytogenetic location: 9q33.1.
Variant type: single nucleotide variant.
Coding change: c.308G>A on transcript NM_002160.4 (MANE Select); coding-DNA position 308, G replaced by A.
Protein change: p.Arg103His; replaces arginine 103 with histidine.
Molecular consequence: missense variant.
Genome position (GRCh38, 1-based): chr9:115,090,711, C>T on the plus strand (G>A on the coding strand, the complement: TNC is on the minus strand). VCF-style: chr9-115090711-C-T. GRCh37 (hg19) VCF-style: chr9-117852990-C-T.
Other names: short protein forms R103H.
Identifiers: ClinVar variation 1315769 (VCV001315769.3), dbSNP rs150265065, ClinGen allele CA5209103.

ClinVar aggregate classification (germline): Likely benign. Review status: criteria provided, single submitter (1 of 4 stars). 2 submissions from 2 submitters: Likely benign (1). 1 of the submissions does not count toward it. Last evaluated 2021-06-07.

Conditions:
TNC-related disorder. Also called: TNC-related condition.

Allele frequency attached by ClinVar (database versions not stated): ESP Exome Variant Server 0.00015.
gnomAD v4.1: 82 of 1,614,126 alleles (0.0051%); highest among the groups gnomAD compares: African/African-American, 0.089%; 1 homozygote.

Submissions (2):

GeneDx
Classification: Likely benign. Last evaluated: 2021-06-07. Review status: criteria provided, single submitter. Criteria: GeneDx Variant Classification Process June 2021. Collection method: clinical testing. Allele origin: germline. Affected: yes.
Comment: In silico analysis, which includes protein predictors and evolutionary conservation, supports a deleterious effect; Has not been previously published as pathogenic or benign to our knowledge

PreventionGenetics, part of Exact Sciences
Classification: Likely benign for TNC-related condition. Last evaluated: 2024-05-24. Review status: no assertion criteria provided. Collection method: clinical testing. Allele origin: germline. Not counted in ClinVar's aggregate classification.
Comment: This variant is classified as likely benign based on ACMG/AMP sequence variant interpretation guidelines (Richards et al. 2015 PMID: 25741868, with internal and published modifications).